The following is an entry in ClinVar:

ClinVar aggregate classification (germline): Uncertain significance. Review status: criteria provided, single submitter (1 of 4 stars). 2 submissions from 2 submitters: Uncertain significance (1). 1 of the submissions does not count toward it. Last evaluated 2024-12-02.

Conditions:
Retinitis pigmentosa 25 (RP25). Identifiers: Orphanet 791, MedGen C1864446, MONDO:0011272, OMIM 602772.

Allele frequency attached by ClinVar (database versions not stated): gnomAD 0.00001 and 0.00003; TOPMed 0.00003; gnomAD exomes 0.00007; ExAC 0.00010; 1000 Genomes Project 30x 0.00016; 1000 Genomes Project 0.00020.
gnomAD v4.1: 34 of 1,551,318 alleles (0.0022%); highest among the groups gnomAD compares: South Asian, 0.017%; no homozygotes.

Submissions (2):

Labcorp Genetics (formerly Invitae), Labcorp
Classification: Uncertain significance. Last evaluated: 2024-12-02. Review status: criteria provided, single submitter. Criteria: Invitae Variant Classification Sherloc (09022015). Collection method: clinical testing. Allele origin: germline.
Comment: This sequence change replaces threonine, which is neutral and polar, with alanine, which is neutral and non-polar, at codon 1799 of the EYS protein (p.Thr1799Ala). This variant is present in population databases (rs144694451, gnomAD 0.04%). This variant has not been reported in the literature in individuals affected with EYS-related conditions. ClinVar contains an entry for this variant (Variation ID: 845251). Invitae Evidence Modeling of protein sequence and biophysical properties (such as structural, functional, and spatial information, amino acid conservation, physicochemical variation, residue mobility, and thermodynamic stability) indicates that this missense variant is not expected to disrupt EYS protein function with a negative predictive value of 80%. In summary, the available evidence is currently insufficient to determine the role of this variant in disease. Therefore, it has been classified as a Variant of Uncertain Significance.

Natera, Inc.
Classification: Uncertain significance for Retinitis pigmentosa type 25. Last evaluated: 2020-12-28. Review status: no assertion criteria provided. Collection method: clinical testing. Allele origin: germline. Not counted in ClinVar's aggregate classification.

NM_001142800.2(EYS):c.5395A>G (p.Thr1799Ala)

Gene: EYS (eyes shut homolog; minus strand). Cytogenetic location: 6q12.
Variant type: single nucleotide variant.
Coding change: c.5395A>G on transcript NM_001142800.2 (MANE Select); coding-DNA position 5395, A replaced by G.
Protein change: p.Thr1799Ala; replaces threonine 1799 with alanine.
Molecular consequence: missense variant.
Genome position (GRCh38, 1-based): chr6:64,590,472, T>C on the plus strand (A>G on the coding strand, the complement: EYS is on the minus strand). VCF-style: chr6-64590472-T-C. GRCh37 (hg19) VCF-style: chr6-65300365-T-C.
Other names: c.5395A>G, p.Thr1799Ala (NM_001292009.2); short protein forms T1799A.
Identifiers: ClinVar variation 845251 (VCV000845251.5), dbSNP rs144694451, ClinGen allele CA3877022.
Genomic context (GRCh38, chr6:64,590,472, plus strand): 5'-ATGGCCAATCTGGCCTAATTACAGACATGGAGGAAGACGTCTGTATTGAAAGTGCTGGAG[T>C]TGCTGAAACTGTATAAAATGCAACATTGGTGGTGACTTCTGAAAAATCAGGCACTGAGCC-3'
Protein context (NP_001136272.1, residues 1789-1809): TNVAFYTVSA[Thr1799Ala]PALSIQTSSS